The following is an entry in ClinVar:

ClinVar aggregate classification (germline): Pathogenic. Review status: criteria provided, multiple submitters, no conflicts (2 of 4 stars). 3 submissions from 3 submitters: Pathogenic (3). Last evaluated 2026-01-11.

Conditions:
Glucocorticoid deficiency with achalasia (AAAS). Also called: Addisonian achalasia syndrome; Achalasia-addisonianism-alacrimia syndrome; AAA syndrome; Allgrove syndrome; Achalasia-Addisonianism-Alacrima (Triple-A) Syndrome; Alacrima-achalasia-addisonianism. Identifiers: Orphanet 869, MedGen C0271742, MONDO:0009279, OMIM 231550.

Allele frequency attached by ClinVar (database versions not stated): gnomAD exomes 0.00002 and 0.00008; ExAC 0.00013; gnomAD 0.00018 and 0.00019; TOPMed 0.00020; 1000 Genomes Project 0.00060; ESP Exome Variant Server 0.00064.

Submissions (3):

Labcorp Genetics (formerly Invitae), Labcorp
Classification: Pathogenic. Last evaluated: 2026-01-11. Review status: criteria provided, single submitter. Criteria: Invitae Variant Classification Sherloc (09022015). Collection method: clinical testing. Allele origin: germline.
Comment: This sequence change creates a premature translational stop signal (p.Tyr19*) in the AAAS gene. It is expected to result in an absent or disrupted protein product. Loss-of-function variants in AAAS are known to be pathogenic (PMID: 11159947). This variant is present in population databases (rs552637666, gnomAD 0.1%). This premature translational stop signal has been observed in individuals with triple-A syndrome (PMID: 17911039, 18426811). ClinVar contains an entry for this variant (Variation ID: 264988). For these reasons, this variant has been classified as Pathogenic.

Fulgent Genetics
Classification: Pathogenic for Glucocorticoid deficiency with achalasia. Last evaluated: 2024-06-11. Review status: criteria provided, single submitter. Criteria: ACMG Guidelines, 2015. Collection method: clinical testing. Allele origin: germline.

GeneDx
Classification: Pathogenic. Last evaluated: 2022-02-03. Review status: criteria provided, single submitter. Criteria: GeneDx Variant Classification Process June 2021. Collection method: clinical testing. Allele origin: germline. Affected: yes.
Comment: Nonsense variant predicted to result in protein truncation or nonsense mediated decay in a gene for which loss-of-function is a known mechanism of disease; Observed with another AAAS variant in published literature with achalasia-addisonianism-alacrimia (AAA) syndrome, but it is not known whether the variants occurred on the same (in cis) or on different (in trans) chromosomes (Brown et al., 2016); This variant is associated with the following publications: (PMID: 18426811, 34796249, 17911039, 27698338)

Literature cited by the submitters: PubMed 11159947 (cited by Labcorp Genetics (formerly Invitae), Labcorp); PubMed 17911039 (cited by Labcorp Genetics (formerly Invitae), Labcorp); PubMed 18426811 (cited by Labcorp Genetics (formerly Invitae), Labcorp).

NM_015665.6(AAAS):c.57_58del (p.Tyr19_Glu20delinsTer)

Gene: AAAS (aladin WD repeat nucleoporin; minus strand). Cytogenetic location: 12q13.13.
Variant type: Deletion.
Coding change: c.57_58del on transcript NM_015665.6 (MANE Select); coding-DNA positions 57 to 58, 2 bases deleted (TG; older notation c.57_58delTG).
Protein change: p.Tyr19_Glu20delinsTer.
Molecular consequence: nonsense.
Genome position (GRCh38, 1-based): chr12:53,321,408-53,321,409, CA deleted on the plus strand (TG on the coding strand, the reverse complement: AAAS is on the minus strand). VCF-style (leftmost placement, unchanged base first): chr12-53321407-TCA-T. GRCh37 (hg19) VCF-style: chr12-53715191-TCA-T.
Other names: c.57_58del, p.Tyr19_Glu20delinsTer (NM_001173466.2); c.57_58del (NM_015665.5).
Identifiers: ClinVar variation 264988 (VCV000264988.17), dbSNP rs552637666, ClinGen allele CA6599375.